The following is an entry in ClinVar:

NM_000138.5(FBN1):c.2053T>A (p.Cys685Ser)

Gene: FBN1 (fibrillin 1; minus strand). Cytogenetic location: 15q21.1.
Variant type: single nucleotide variant.
Coding change: c.2053T>A on transcript NM_000138.5 (MANE Select); coding-DNA position 2053, T replaced by A.
Protein change: p.Cys685Ser; replaces cysteine 685 with serine.
Molecular consequence: missense variant.
Genome position (GRCh38, 1-based): chr15:48,503,847, A>T on the plus strand (T>A on the coding strand, the complement: FBN1 is on the minus strand). VCF-style: chr15-48503847-A-T. GRCh37 (hg19) VCF-style: chr15-48796044-A-T.
Other names: short protein forms C685S.
Identifiers: ClinVar variation 646759 (VCV000646759.8), dbSNP rs1597574236, ClinGen allele CA392338297.
Genomic context (GRCh38, chr15:48,503,847, plus strand): 5'-CTGAATTCTGTGCAGGACACGGCTGGCAAGGTTCCCCAAATGCATACTCAGTGCTGGCGC[A>T]ACAGCATTCAGATTTAGTGACAGCACCAAACAAAGGTTTGATACACTGGCCTCTCTTGTA-3'
Protein context (NP_000129.3, residues 675-695): FGAVTKSECC[Cys685Ser]ASTEYAFGEP

ClinVar aggregate classification (germline): Pathogenic (1 of 4 stars; one submission).

Conditions:
Familial thoracic aortic aneurysm and aortic dissection (TAAD). Also called: Thoracic aortic aneurysms and dissections. Identifiers: Orphanet 91387, MedGen C4707243, MONDO:0019625.
Marfan syndrome (MFS). Also called: FBN1-Related Marfan Syndrome; Marfan syndrome type 1; Marfan's syndrome; Marfan syndrome, classic; MARFAN SYNDROME, TYPE I. Identifiers: Orphanet 284963, Orphanet 558, MedGen C0024796, MONDO:0007947, OMIM 154700.

Submission:

Labcorp Genetics (formerly Invitae), Labcorp
Classification: Pathogenic for Marfan syndrome; Familial thoracic aortic aneurysm and aortic dissection. Last evaluated: 2018-09-20. Review status: criteria provided, single submitter. Criteria: Invitae Variant Classification Sherloc (09022015). Collection method: clinical testing. Allele origin: germline.
Comment: This sequence change replaces cysteine with serine at codon 685 of the FBN1 protein (p.Cys685Ser). The cysteine residue is highly conserved and there is a moderate physicochemical difference between cysteine and serine. This variant is not present in population databases (ExAC no frequency). Algorithms developed to predict the effect of sequence changes on RNA splicing suggest that this variant may create or strengthen a splice site, but this prediction has not been confirmed by published transcriptional studies. This variant disrupts the p.Cys685 amino acid residue in FBN1. Other variant(s) that disrupt this residue have been observed in affected individuals (PMID: 21542060, 12203992, 15241795), which suggests that this may be a clinically significant amino acid residue. For these reasons, this variant has been classified as Pathogenic. This variant affects a cysteine residue in the EGF-like, TGFBP or hybrid motif domains FBN1. Cysteine residues are believed to be involved in intramolecular disulfide bridges and have been shown to be important for FBN1 protein structure (PMID: 16905551, 19349279). In addition, missense substitutions affecting cysteine residues within these domains are significantly overrepresented among patients with Marfan syndrome (PMID: 16571647, 17701892).

Literature cited by the submitters: PubMed 21542060; PubMed 12203992; PubMed 15241795; PubMed 16905551; PubMed 19349279; PubMed 16571647; PubMed 17701892.